The following is an entry in ClinVar:

NM_080473.5(GATA5):c.436G>C (p.Val146Leu)

Gene: GATA5 (GATA binding protein 5; minus strand). Cytogenetic location: 20q13.33.
Variant type: single nucleotide variant.
Coding change: c.436G>C on transcript NM_080473.5 (MANE Select); coding-DNA position 436, G replaced by C.
Protein change: p.Val146Leu; replaces valine 146 with leucine.
Molecular consequence: missense variant.
Genome position (GRCh38, 1-based): chr20:62,475,086, C>G on the plus strand (G>C on the coding strand, the complement: GATA5 is on the minus strand). VCF-style: chr20-62475086-C-G. GRCh37 (hg19) VCF-style: chr20-61050142-C-G.
Other names: short protein forms V146L.
Identifiers: ClinVar variation 2872567 (VCV002872567.3), dbSNP rs1555896979, ClinGen allele CA409556373.

ClinVar aggregate classification (germline): Uncertain significance (1 of 4 stars; one submission).

Submission:

Labcorp Genetics (formerly Invitae), Labcorp
Classification: Uncertain significance. Last evaluated: 2025-01-06. Review status: criteria provided, single submitter. Criteria: Invitae Variant Classification Sherloc (09022015). Collection method: clinical testing. Allele origin: germline.
Comment: This sequence change replaces valine, which is neutral and non-polar, with leucine, which is neutral and non-polar, at codon 146 of the GATA5 protein (p.Val146Leu). This variant is not present in population databases (gnomAD no frequency). This variant has not been reported in the literature in individuals affected with GATA5-related conditions. ClinVar contains an entry for this variant (Variation ID: 2872567). Invitae Evidence Modeling of protein sequence and biophysical properties (such as structural, functional, and spatial information, amino acid conservation, physicochemical variation, residue mobility, and thermodynamic stability) indicates that this missense variant is not expected to disrupt GATA5 protein function with a negative predictive value of 80%. In summary, the available evidence is currently insufficient to determine the role of this variant in disease. Therefore, it has been classified as a Variant of Uncertain Significance.